The following is an entry in ClinVar:

NM_000834.5(GRIN2B):c.1111A>G (p.Arg371Gly)

Gene: GRIN2B (glutamate ionotropic receptor NMDA type subunit 2B; minus strand). Cytogenetic location: 12p13.1.
Variant type: single nucleotide variant.
Coding change: c.1111A>G on transcript NM_000834.5 (MANE Select); coding-DNA position 1111, A replaced by G.
Protein change: p.Arg371Gly; replaces arginine 371 with glycine.
Molecular consequence: missense variant.
Genome position (GRCh38, 1-based): chr12:13,675,759, T>C on the plus strand (A>G on the coding strand, the complement: GRIN2B is on the minus strand). VCF-style: chr12-13675759-T-C. GRCh37 (hg19) VCF-style: chr12-13828693-T-C.
Other names: c.1111A>G, p.Arg371Gly (NM_001413992.1); short protein forms R371G.
Identifiers: ClinVar variation 3376409 (VCV003376409.1).

ClinVar aggregate classification (germline): Uncertain significance (1 of 4 stars; one submission).

Conditions:
Intellectual developmental disorder, autosomal dominant 6, with or without seizures. Also called: Intellectual disability, autosomal dominant 6; GRIN2B-related developmental delay, intellectual disability and autism spectrum disorder. Identifiers: Orphanet 589547, MedGen C3151411, MONDO:0013509, OMIM 613970.

Submission:

Pittsburgh Clinical Genomics Laboratory, University of Pittsburgh Medical Center
Classification: Uncertain significance for Intellectual developmental disorder, autosomal dominant 6, with or without seizures. Last evaluated: 2024-02-19. Review status: criteria provided, single submitter. Criteria: ACMG Guidelines, 2015. Collection method: clinical testing. Allele origin: germline. Inheritance: Autosomal dominant inheritance. Affected: yes.
Comment: This sequence variant is a single nucleotide substitution (A>G) at position 1111 of the coding sequence of the GRIN2B gene that results in an arginine to glycine amino acid change at residue 371 of the glutamate ionotropic receptor NMDA type subunit 2B protein. The 371 residue falls in the amino terminal domain of GRIN2B which contributes to the assembly of the glutamate-activated N-methyl-D-aspartate receptor (PMID: 24272827). This variant is absent from ClinVar and is present in 3 of 152096 alleles (0.0020%) in the gnomAD population dataset. To our knowledge, this variant has not been observed in an individual affected by a GRIN2B-related disorder in the published literature. Multiple bioinformatic tools predict that this amino acid change would be damaging, and the Arg371 residue at this position is highly conserved across the vertebrate species examined. Studies examining the functional consequence of this variant have not been published, to our knowledge. At this time, there is insufficient evidence to determine if this variant is pathogenic or benign. Therefore, we consider this a variant of uncertain significance. ACMG Criteria: PM2, PP2, PP3

Literature cited by the submitters: PubMed 24272827.